The following is an entry in ClinVar:

NM_000038.6(APC):c.1312+1042A>C

Gene: APC (APC regulator of WNT signaling pathway; plus strand). Cytogenetic location: 5q22.2.
Variant type: single nucleotide variant.
Coding change: c.1312+1042A>C on transcript NM_000038.6 (MANE Select); 1042 bases into the intron after coding-DNA position 1312, A replaced by C.
Molecular consequence: intron variant.
Genome position (GRCh38, 1-based): chr5:112,820,386, A>C. VCF-style: chr5-112820386-A-C. GRCh37 (hg19) VCF-style: chr5-112156083-A-C.
Other names: c.1312+1042A>C (NM_001354895.2, NM_001127510.3, NM_001354896.2); c.1342+1042A>C (NM_001354897.2); c.1039+1042A>C (NM_001354902.2); c.1258+1042A>C (NM_001127511.3); c.1237+1042A>C (NM_001354898.2); c.934+1042A>C (NM_001354904.2); c.463+1042A>C (NM_001354906.2); c.1009+1042A>C (NM_001354903.2); and 3 more.
Identifiers: ClinVar variation 82569 (VCV000082569.2), dbSNP rs75014659, ClinGen allele CA004161.

ClinVar aggregate classification (germline): other (0 of 4 stars; one submission).

Conditions:
Familial colorectal cancer. Identifiers: MedGen CN280943, MONDO:0023113. Disease mechanism: loss of function.

Submission:

Systems Biology Platform Zhejiang California International NanoSystems Institute
Classification: other for Familial colorectal cancer. Review status: no assertion criteria provided. Collection method: not provided. Allele origin: unknown.
ClinVar note: Converted during submission from cancer to other.